The following is an entry in ClinVar:

ClinVar aggregate classification (germline): Uncertain significance. Review status: criteria provided, multiple submitters, no conflicts (2 of 4 stars). 8 submissions from 8 submitters: Uncertain significance (8). Last evaluated 2026-03-17.

Conditions:
PMS2-related disorder. Also called: PMS2-related condition.
Hereditary nonpolyposis colorectal neoplasms. Identifiers: MedGen C0009405, MeSH D003123.
Lynch syndrome 4 (LYNCH4). Also called: Colorectal cancer, hereditary nonpolyposis, type 4; Hereditary non-polyposis colorectal cancer, type 4. Identifiers: Orphanet 144, MedGen C1838333, MONDO:0013699, OMIM 614337. Disease mechanism: loss of function.
Mismatch repair cancer syndrome 4. Identifiers: MedGen C5436817, MONDO:0030843, OMIM 619101.
Hereditary cancer-predisposing syndrome. Also called: Neoplastic Syndromes, Hereditary; Tumor predisposition; Hereditary neoplastic syndrome; Hereditary Cancer Syndrome. Identifiers: Orphanet 140162, MedGen C0027672, MeSH D009386, MONDO:0015356.

Allele frequency attached by ClinVar (database versions not stated): ExAC 0.00001; gnomAD exomes 0.00001; TOPMed 0.00001.
gnomAD v4.1: 18 of 1,611,528 alleles (0.0011%); highest among the groups gnomAD compares: Non-Finnish European, 0.0014%; 1 homozygote.

Submissions (8):

PreventionGenetics, part of Exact Sciences
Classification: Uncertain significance for PMS2-related condition. Last evaluated: 2026-03-17. Review status: criteria provided, single submitter. Criteria: ACMG Guidelines, 2015. Collection method: clinical testing. Allele origin: germline.
Comment: The PMS2 c.502G>A variant is predicted to result in the amino acid substitution p.Val168Met. To our knowledge, this variant has not been reported in the literature. This variant is reported in 0.0055% of alleles in individuals of East Asian descent in gnomAD and is interpreted as a variant of uncertain significance in ClinVar (Variation ID: 185940). At this time, the clinical significance of this variant is uncertain due to the absence of conclusive functional and genetic evidence.

Labcorp Genetics (formerly Invitae), Labcorp
Classification: Uncertain significance for Hereditary nonpolyposis colorectal neoplasms. Last evaluated: 2025-10-12. Review status: criteria provided, single submitter. Criteria: Invitae Variant Classification Sherloc (09022015). Collection method: clinical testing. Allele origin: germline.
Comment: This sequence change replaces valine, which is neutral and non-polar, with methionine, which is neutral and non-polar, at codon 168 of the PMS2 protein (p.Val168Met). This variant is present in population databases (rs762645507, gnomAD 0.0009%). This variant has not been reported in the literature in individuals affected with PMS2-related conditions. ClinVar contains an entry for this variant (Variation ID: 185940). Invitae Evidence Modeling incorporating data from in vitro experimental studies (internal data) indicates that this missense variant is not expected to disrupt PMS2 function with a negative predictive value of 95%. In summary, the available evidence is currently insufficient to determine the role of this variant in disease. Therefore, it has been classified as a Variant of Uncertain Significance.

Ambry Genetics
Classification: Uncertain significance for Hereditary cancer-predisposing syndrome. Last evaluated: 2024-12-06. Review status: criteria provided, single submitter. Criteria: Ambry Variant Classification Scheme 2023. Collection method: clinical testing. Allele origin: germline.
Comment: The p.V168M variant (also known as c.502G>A), located in coding exon 5 of the PMS2 gene, results from a G to A substitution at nucleotide position 502. The valine at codon 168 is replaced by methionine, an amino acid with highly similar properties. This amino acid position is highly conserved in available vertebrate species. In addition, this alteration is predicted to be inconclusive by in silico analyses. Since supporting evidence is limited at this time, the clinical significance of this alteration remains unclear.

Baylor Genetics
Classification: Uncertain significance for Lynch syndrome 4. Last evaluated: 2024-02-13. Review status: criteria provided, single submitter. Criteria: ACMG Guidelines, 2015. Collection method: clinical testing. Allele origin: unknown.

Color Diagnostics, LLC DBA Color Health
Classification: Uncertain significance for Hereditary cancer-predisposing syndrome. Last evaluated: 2024-01-30. Review status: criteria provided, single submitter. Criteria: ACMG Guidelines, 2015. Collection method: clinical testing. Allele origin: germline.
Comment: This missense variant replaces valine with methionine at codon 168 of the PMS2 protein. Computational prediction suggests that this variant may have deleterious impact on protein structure and function (internally defined REVEL score threshold >= 0.7, PMID: 27666373). To our knowledge, functional studies have not been reported for this variant. This variant has not been reported in individuals affected with PMS2-related disorders in the literature. This variant has been identified in 3/250036 chromosomes in the general population by the Genome Aggregation Database (gnomAD). The available evidence is insufficient to determine the role of this variant in disease conclusively. Therefore, this variant is classified as a Variant of Uncertain Significance.

GeneDx
Classification: Uncertain significance. Last evaluated: 2023-08-23. Review status: criteria provided, single submitter. Criteria: GeneDx Variant Classification Process June 2021. Collection method: clinical testing. Allele origin: germline. Affected: yes.
Comment: In silico analysis supports that this missense variant has a deleterious effect on protein structure/function; Has not been previously published as pathogenic or benign to our knowledge; This variant is associated with the following publications: (PMID: 27820796, 11574484)

Institute for Clinical Genetics, University Hospital TU Dresden, University Hospital TU Dresden
Classification: Uncertain significance. Last evaluated: 2022-11-15. Review status: criteria provided, single submitter. Criteria: ACMG Guidelines, 2015. Collection method: clinical testing. Allele origin: germline.
Comment: PP3, PM2_SUP

Fulgent Genetics
Classification: Uncertain significance for Lynch syndrome 4; Mismatch repair cancer syndrome 4. Last evaluated: 2021-11-09. Review status: criteria provided, single submitter. Criteria: ACMG Guidelines, 2015. Collection method: clinical testing. Allele origin: unknown.

NM_000535.7(PMS2):c.502G>A (p.Val168Met)

Gene: PMS2 (PMS1 homolog 2, mismatch repair system component; minus strand). Cytogenetic location: 7p22.1.
Variant type: single nucleotide variant.
Coding change: c.502G>A on transcript NM_000535.7 (MANE Select); coding-DNA position 502, G replaced by A.
Protein change: p.Val168Met; replaces valine 168 with methionine.
Molecular consequence: missense variant. On other transcripts: 5 prime UTR variant (2), non-coding transcript variant (1).
Genome position (GRCh38, 1-based): chr7:6,002,488, C>T on the plus strand (G>A on the coding strand, the complement: PMS2 is on the minus strand). VCF-style: chr7-6002488-C-T. GRCh37 (hg19) VCF-style: chr7-6042119-C-T.
Other names: c.97G>A, p.Val33Met (NM_001322003.2, NM_001322004.2, NM_001322005.2 and 3 more transcripts); c.502G>A, p.Val168Met (NM_001322006.2, NM_001322014.2); c.184G>A, p.Val62Met (NM_001322007.2, NM_001322008.2); c.-383G>A (NM_001322011.2, NM_001322012.2); c.193G>A, p.Val65Met (NM_001322015.2); short protein forms V168M, V62M, V65M, V33M.
Identifiers: ClinVar variation 185940 (VCV000185940.27), dbSNP rs762645507, ClinGen allele CA012207.